The following is an entry in ClinVar:

NM_144643.4(SCLT1):c.379G>A (p.Asp127Asn)

Gene: SCLT1 (sodium channel and clathrin linker 1; minus strand). Cytogenetic location: 4q28.2.
Variant type: single nucleotide variant.
Coding change: c.379G>A on transcript NM_144643.4 (MANE Select); coding-DNA position 379, G replaced by A.
Protein change: p.Asp127Asn; replaces aspartic acid 127 with asparagine.
Molecular consequence: missense variant.
Genome position (GRCh38, 1-based): chr4:129,003,788, C>T on the plus strand (G>A on the coding strand, the complement: SCLT1 is on the minus strand). VCF-style: chr4-129003788-C-T. GRCh37 (hg19) VCF-style: chr4-129924943-C-T.
Other names: c.379G>A (NM_144643.3); short protein forms D127N.
Identifiers: ClinVar variation 1476338 (VCV001476338.7), dbSNP rs1743744187, ClinGen allele CA358183239.

ClinVar aggregate classification (germline): Uncertain significance. Review status: criteria provided, multiple submitters, no conflicts (2 of 4 stars). 2 submissions from 2 submitters: Uncertain significance (2). Last evaluated 2026-08-10.

Conditions:
SCLT1-related disorder. Also called: SCLT1-related condition.

Allele frequency attached by ClinVar (database versions not stated): TOPMed below 0.00001.

Submissions (2):

PreventionGenetics, part of Exact Sciences
Classification: Uncertain significance for SCLT1-related condition. Last evaluated: 2026-08-10. Review status: criteria provided, single submitter. Criteria: ACMG Guidelines, 2015. Collection method: clinical testing. Allele origin: germline.
Comment: The SCLT1 c.379G>A variant is predicted to result in the amino acid substitution p.Asp127Asn. To our knowledge, this variant has not been reported in the literature or in a large population database (gnomAD), indicating this variant is rare. At this time, the clinical significance of this variant is uncertain due to the absence of conclusive functional and genetic evidence.

Labcorp Genetics (formerly Invitae), Labcorp
Classification: Uncertain significance. Last evaluated: 2021-09-03. Review status: criteria provided, single submitter. Criteria: Invitae Variant Classification Sherloc (09022015). Collection method: clinical testing. Allele origin: germline.
Comment: Algorithms developed to predict the effect of missense changes on protein structure and function are either unavailable or do not agree on the potential impact of this missense change (SIFT: "Tolerated"; PolyPhen-2: "Possibly Damaging"; Align-GVGD: "Class C0"). This variant has not been reported in the literature in individuals affected with SCLT1-related conditions. This variant is not present in population databases (ExAC no frequency). This sequence change replaces aspartic acid with asparagine at codon 127 of the SCLT1 protein (p.Asp127Asn). The aspartic acid residue is moderately conserved and there is a small physicochemical difference between aspartic acid and asparagine. In summary, the available evidence is currently insufficient to determine the role of this variant in disease. Therefore, it has been classified as a Variant of Uncertain Significance.